The following is an entry in ClinVar:

NM_000214.3(JAG1):c.1295C>G (p.Ala432Gly)

Gene: JAG1 (jagged canonical Notch ligand 1; minus strand). Cytogenetic location: 20p12.2.
Variant type: single nucleotide variant.
Coding change: c.1295C>G on transcript NM_000214.3 (MANE Select); coding-DNA position 1295, C replaced by G.
Protein change: p.Ala432Gly; replaces alanine 432 with glycine.
Molecular consequence: missense variant.
Genome position (GRCh38, 1-based): chr20:10,649,575, G>C on the plus strand (C>G on the coding strand, the complement: JAG1 is on the minus strand). VCF-style: chr20-10649575-G-C. GRCh37 (hg19) VCF-style: chr20-10630223-G-C.
Other names: short protein forms A432G.
Identifiers: ClinVar variation 3006727 (VCV003006727.3), dbSNP rs2514518364, ClinGen allele CA408238206.

ClinVar aggregate classification (germline): Uncertain significance (1 of 4 stars; one submission).

Conditions:
Alagille syndrome due to a JAG1 point mutation. Also called: HEPATIC DUCTULAR HYPOPLASIA, SYNDROMATIC; JAG1-Related Alagille Syndrome; Alagille Syndrome 1. Identifiers: Orphanet 261619, Orphanet 52, MedGen C1956125, MONDO:0016862, OMIM 118450.

Submission:

Labcorp Genetics (formerly Invitae), Labcorp
Classification: Uncertain significance for Alagille syndrome due to a JAG1 point mutation. Last evaluated: 2025-03-04. Review status: criteria provided, single submitter. Criteria: Invitae Variant Classification Sherloc (09022015). Collection method: clinical testing. Allele origin: germline.
Comment: This sequence change replaces alanine, which is neutral and non-polar, with glycine, which is neutral and non-polar, at codon 432 of the JAG1 protein (p.Ala432Gly). This variant is not present in population databases (gnomAD no frequency). This variant has not been reported in the literature in individuals affected with JAG1-related conditions. ClinVar contains an entry for this variant (Variation ID: 3006727). Invitae Evidence Modeling of protein sequence and biophysical properties (such as structural, functional, and spatial information, amino acid conservation, physicochemical variation, residue mobility, and thermodynamic stability) indicates that this missense variant is not expected to disrupt JAG1 protein function with a negative predictive value of 95%. In summary, the available evidence is currently insufficient to determine the role of this variant in disease. Therefore, it has been classified as a Variant of Uncertain Significance.